The following is an entry in ClinVar:

NM_002907.4(RECQL):c.511A>G (p.Lys171Glu)

Gene: RECQL (RecQ like helicase; minus strand). Cytogenetic location: 12p12.1.
Variant type: single nucleotide variant.
Coding change: c.511A>G on transcript NM_002907.4 (MANE Select); coding-DNA position 511, A replaced by G.
Protein change: p.Lys171Glu; replaces lysine 171 with glutamic acid.
Molecular consequence: missense variant.
Genome position (GRCh38, 1-based): chr12:21,483,565, T>C on the plus strand (A>G on the coding strand, the complement: RECQL is on the minus strand). VCF-style: chr12-21483565-T-C. GRCh37 (hg19) VCF-style: chr12-21636499-T-C.
Other names: c.511A>G, p.Lys171Glu (NM_032941.3); short protein forms K171E.
Identifiers: ClinVar variation 1745450 (VCV001745450.2), dbSNP rs2540376166, ClinGen allele CA384128136.

ClinVar aggregate classification (germline): Uncertain significance (1 of 4 stars; one submission).

Submission:

Ambry Genetics
Classification: Uncertain significance. Last evaluated: 2021-01-07. Review status: criteria provided, single submitter. Criteria: Ambry Variant Classification Scheme 2023. Collection method: clinical testing. Allele origin: germline.
Comment: The p.K171E variant (also known as c.511A>G), located in coding exon 5 of the RECQL gene, results from an A to G substitution at nucleotide position 511. The lysine at codon 171 is replaced by glutamic acid, an amino acid with similar properties. This amino acid position is highly conserved in available vertebrate species. In addition, this alteration is predicted to be deleterious by in silico analysis. Since supporting evidence is limited at this time, the clinical significance of this alteration remains unclear.